The following is an entry in ClinVar:

ClinVar aggregate classification (germline): Likely benign (1 of 4 stars; one submission).

Allele frequency attached by ClinVar (database versions not stated): gnomAD 0.00019; TOPMed 0.00023.

Submission:

GeneDx
Classification: Likely benign. Last evaluated: 2016-07-06. Review status: criteria provided, single submitter. Criteria: GeneDx Variant Classification (06012015). Collection method: clinical testing. Allele origin: germline. Affected: yes.
Comment: This variant is considered likely benign or benign based on one or more of the following criteria: it is a conservative change, it occurs at a poorly conserved position in the protein, it is predicted to be benign by multiple in silico algorithms, and/or has population frequency not consistent with disease.

NM_032975.4(DTNA):c.-21G>A

Gene: DTNA (dystrobrevin alpha; plus strand). Cytogenetic location: 18q12.1.
Variant type: single nucleotide variant.
Coding change: c.-21G>A on transcript NM_032975.4; 21 bases upstream of the start codon, G replaced by A.
Molecular consequence: 5 prime UTR variant.
Genome position (GRCh38, 1-based): chr18:34,679,573, G>A. VCF-style: chr18-34679573-G-A. GRCh37 (hg19) VCF-style: chr18-32259537-G-A.
Other names: c.-21G>A (NM_001128175.2, NM_001198938.2, NM_001198939.2 and 20 more transcripts).
Identifiers: ClinVar variation 377814 (VCV000377814.3), dbSNP rs773687513, ClinGen allele CA16607577.